The following is an entry in ClinVar:

NM_015295.3(SMCHD1):c.5399A>G (p.Tyr1800Cys)

Gene: SMCHD1 (structural maintenance of chromosomes flexible hinge domain containing 1; plus strand). Cytogenetic location: 18p11.32.
Variant type: single nucleotide variant.
Coding change: c.5399A>G on transcript NM_015295.3 (MANE Select); coding-DNA position 5399, A replaced by G.
Protein change: p.Tyr1800Cys; replaces tyrosine 1800 with cysteine.
Molecular consequence: missense variant.
Genome position (GRCh38, 1-based): chr18:2,777,838, A>G. VCF-style: chr18-2777838-A-G. GRCh37 (hg19) VCF-style: chr18-2777836-A-G.
Other names: short protein forms Y1800C.
Identifiers: ClinVar variation 2153186 (VCV002153186.5), dbSNP rs1190193153, ClinGen allele CA401686297.

ClinVar aggregate classification (germline): Uncertain significance. Review status: criteria provided, multiple submitters, no conflicts (2 of 4 stars). 2 submissions from 2 submitters: Uncertain significance (2). Last evaluated 2023-02-27.

Conditions:
Facioscapulohumeral muscular dystrophy 2 (FSHD2). Also called: FACIOSCAPULOHUMERAL MUSCULAR DYSTROPHY 2, DIGENIC; FSHD2, DIGENIC; MUSCULAR DYSTROPHY, FACIOSCAPULOHUMERAL, TYPE 1B. Identifiers: Orphanet 269, MedGen C1834671, MONDO:0008031, OMIM 158901.

Allele frequency attached by ClinVar (database versions not stated): gnomAD exomes below 0.00001; TOPMed 0.00001.
gnomAD v4.1: 2 of 1,547,840 alleles (0.00013%); highest among the groups gnomAD compares: Admixed American, 0.0039%; no homozygotes.

Submissions (2):

Blueprint Genetics
Classification: Uncertain significance. Last evaluated: 2023-02-27. Review status: criteria provided, single submitter. Criteria: ACMG Guidelines, 2015. Collection method: clinical testing. Allele origin: germline.

Labcorp Genetics (formerly Invitae), Labcorp
Classification: Uncertain significance for Facioscapulohumeral muscular dystrophy 2. Last evaluated: 2022-05-12. Review status: criteria provided, single submitter. Criteria: Invitae Variant Classification Sherloc (09022015). Collection method: clinical testing. Allele origin: germline.
Comment: This variant is not present in population databases (gnomAD no frequency). This sequence change replaces tyrosine, which is neutral and polar, with cysteine, which is neutral and slightly polar, at codon 1800 of the SMCHD1 protein (p.Tyr1800Cys). This variant has not been reported in the literature in individuals affected with SMCHD1-related conditions. Algorithms developed to predict the effect of missense changes on protein structure and function (SIFT, PolyPhen-2, Align-GVGD) all suggest that this variant is likely to be tolerated. In summary, the available evidence is currently insufficient to determine the role of this variant in disease. Therefore, it has been classified as a Variant of Uncertain Significance.